The following is an entry in ClinVar:

NM_004304.5(ALK):c.1306G>A (p.Ala436Thr)

Gene: ALK (ALK receptor tyrosine kinase; minus strand). Cytogenetic location: 2p23.2.
Variant type: single nucleotide variant.
Coding change: c.1306G>A on transcript NM_004304.5 (MANE Select); coding-DNA position 1306, G replaced by A.
Protein change: p.Ala436Thr; replaces alanine 436 with threonine.
Molecular consequence: missense variant.
Genome position (GRCh38, 1-based): chr2:29,328,458, C>T on the plus strand (G>A on the coding strand, the complement: ALK is on the minus strand). VCF-style: chr2-29328458-C-T. GRCh37 (hg19) VCF-style: chr2-29551324-C-T.
Other names: short protein forms A436T.
Identifiers: ClinVar variation 895234 (VCV000895234.14), dbSNP rs745772939, ClinGen allele CA1594686.

ClinVar aggregate classification (germline): Conflicting classifications of pathogenicity. Review status: criteria provided, conflicting classifications (1 of 4 stars). 4 submissions from 4 submitters: Uncertain significance (3); Likely benign (1). Last evaluated 2025-01-02.

Conditions:
Hereditary cancer-predisposing syndrome. Also called: Neoplastic Syndromes, Hereditary; Tumor predisposition; Hereditary Cancer Syndrome; Hereditary neoplastic syndrome. Identifiers: Orphanet 140162, MedGen C0027672, MeSH D009386, MONDO:0015356.
Neuroblastoma, susceptibility to, 3. Also called: ALK-Related Neuroblastic Tumor Susceptibility. Identifiers: Orphanet 635, MedGen C2751681, MONDO:0013083, OMIM 613014.

Allele frequency attached by ClinVar (database versions not stated): ExAC 0.00001.
gnomAD v4.1: 18 of 1,614,068 alleles (0.0011%); highest among the groups gnomAD compares: African/African-American, 0.0027%; no homozygotes.

Submissions (4):

Ambry Genetics
Classification: Likely benign for Hereditary cancer-predisposing syndrome. Last evaluated: 2025-01-02. Review status: criteria provided, single submitter. Criteria: Ambry Variant Classification Scheme 2023. Collection method: clinical testing. Allele origin: germline.

Labcorp Genetics (formerly Invitae), Labcorp
Classification: Uncertain significance for Neuroblastoma, susceptibility to, 3. Last evaluated: 2024-12-05. Review status: criteria provided, single submitter. Criteria: Invitae Variant Classification Sherloc (09022015). Collection method: clinical testing. Allele origin: germline.
Comment: This sequence change replaces alanine, which is neutral and non-polar, with threonine, which is neutral and polar, at codon 436 of the ALK protein (p.Ala436Thr). The frequency data for this variant in the population databases is considered unreliable, as metrics indicate poor data quality at this position in the gnomAD database. This variant has not been reported in the literature in individuals affected with ALK-related conditions. ClinVar contains an entry for this variant (Variation ID: 895234). An algorithm developed to predict the effect of missense changes on protein structure and function (PolyPhen-2) suggests that this variant is likely to be disruptive. In summary, the available evidence is currently insufficient to determine the role of this variant in disease. Therefore, it has been classified as a Variant of Uncertain Significance.

Baylor Genetics
Classification: Uncertain significance for Neuroblastoma, susceptibility to, 3. Last evaluated: 2024-03-25. Review status: criteria provided, single submitter. Criteria: ACMG Guidelines, 2015. Collection method: clinical testing. Allele origin: unknown.

Illumina Laboratory Services, Illumina
Classification: Uncertain significance for Neuroblastoma, susceptibility to, 3. Last evaluated: 2018-01-12. Review status: criteria provided, single submitter. Criteria: ICSL Variant Classification Criteria 13 December 2019. Collection method: clinical testing. Allele origin: germline.